The following is an entry in ClinVar:

ClinVar aggregate classification (germline): Benign. Review status: criteria provided, multiple submitters, no conflicts (2 of 4 stars). 2 submissions from 2 submitters: Benign (2). Last evaluated 2018-06-14.

Allele frequency attached by ClinVar (database versions not stated): 1000 Genomes Project 30x 0.34510; 1000 Genomes Project 0.34864; TOPMed 0.38427; gnomAD 0.40108 and 0.40449.
gnomAD v4.1: 61,203 of 152,096 alleles (40%); highest among the groups gnomAD compares: Non-Finnish European, 45%; 12,785 homozygotes.

Submissions (2):

GeneDx
Classification: Benign. Last evaluated: 2018-06-14. Review status: criteria provided, single submitter. Criteria: GeneDx Variant Classification (06012015). Collection method: clinical testing. Allele origin: germline. Affected: yes.
Comment: This variant is considered likely benign or benign based on one or more of the following criteria: it is a conservative change, it occurs at a poorly conserved position in the protein, it is predicted to be benign by multiple in silico algorithms, and/or has population frequency not consistent with disease.

Breakthrough Genomics
Classification: Benign. Review status: criteria provided, single submitter. Criteria: ACMG Guidelines, 2015. Collection method: not provided. Allele origin: germline. Inheritance: Autosomal recessive inheritance. Affected: yes.

NM_004369.4(COL6A3):c.6537+212C>G

Gene: COL6A3 (collagen type VI alpha 3 chain; minus strand). Cytogenetic location: 2q37.3.
Variant type: single nucleotide variant.
Coding change: c.6537+212C>G on transcript NM_004369.4 (MANE Select); 212 bases into the intron after coding-DNA position 6537, C replaced by G.
Molecular consequence: intron variant.
Genome position (GRCh38, 1-based): chr2:237,357,605, G>C on the plus strand (C>G on the coding strand, the complement: COL6A3 is on the minus strand). VCF-style: chr2-237357605-G-C. GRCh37 (hg19) VCF-style: chr2-238266248-G-C.
Other names: c.4716+212C>G (NM_057166.5); c.5919+212C>G (NM_057167.4).
Identifiers: ClinVar variation 679231 (VCV000679231.2), dbSNP rs7577192, ClinGen allele CA11142087.